The following is an entry in ClinVar:

NM_020971.3(SPTBN4):c.5693C>T (p.Ala1898Val)

Gene: SPTBN4 (spectrin beta, non-erythrocytic 4; plus strand). Cytogenetic location: 19q13.2.
Variant type: single nucleotide variant.
Coding change: c.5693C>T on transcript NM_020971.3 (MANE Select); coding-DNA position 5693, C replaced by T.
Protein change: p.Ala1898Val; replaces alanine 1898 with valine.
Molecular consequence: missense variant.
Genome position (GRCh38, 1-based): chr19:40,560,181, C>T. VCF-style: chr19-40560181-C-T. GRCh37 (hg19) VCF-style: chr19-41066087-C-T.
Other names: c.1721C>T, p.Ala574Val (NM_025213.3); short protein forms A1898V, A574V.
Identifiers: ClinVar variation 3365850 (VCV003365850.1).
Genomic context (GRCh38, chr19:40,560,181, plus strand): 5'-CCGTGGAGGGCTGGCGCCCGACCTGGCATGCCCTTCAGGTACGGCAGCTGCAGGAGGGGG[C>T]GGCCCAGCTGCGGACGGTGTATGCGGGTGAACATGCCGAGGCCATCGCTAGCCGGGAGCA-3'
Protein context (NP_066022.2, residues 1888-1908): VSQVRQLQEG[Ala1898Val]AQLRTVYAGE

ClinVar aggregate classification (germline): Uncertain significance (1 of 4 stars; one submission).

gnomAD v4.1: 7 of 1,598,678 alleles (0.00044%); highest among the groups gnomAD compares: Admixed American, 0.0017%; no homozygotes.

Submission:

GeneDx
Classification: Uncertain significance. Last evaluated: 2023-12-15. Review status: criteria provided, single submitter. Criteria: GeneDx Variant Classification Process June 2021. Collection method: clinical testing. Allele origin: germline. Affected: yes.
Comment: Not observed at significant frequency in large population cohorts (gnomAD); In silico analysis supports that this missense variant has a deleterious effect on protein structure/function; Has not been previously published as pathogenic or benign to our knowledge